The following is an entry in ClinVar:

ClinVar aggregate classification (germline): Uncertain significance. Review status: reviewed by expert panel (3 of 4 stars). 6 submissions from 5 submitters: Uncertain significance (1). 5 of the submissions do not count toward it. Last evaluated 2026-08-20.

Conditions:
RPE65-related recessive retinopathy. Also called: Recessive RPE65 retinopathy. Identifiers: MedGen CN305526, MONDO:0100368.
Leber congenital amaurosis 2 (LCA2). Also called: Autosomal Recessive RPE65-Related Retinal Degeneration; AMAUROSIS CONGENITA OF LEBER II. Identifiers: Orphanet 65, MedGen C1859844, MONDO:0008765, OMIM 204100. Disease mechanism: loss of function.
RPE65-related disorder. Also called: RPE65-related condition; RPE65-related disorders. Identifiers: MedGen CN239301.
Retinitis pigmentosa (RP). Identifiers: Orphanet 791, MedGen C0035334, MeSH D012174, MONDO:0019200, OMIM 268000. Inheritance: Autosomal dominant, autosomal recessive and X linked inheritance.
Retinitis pigmentosa 20 (RP20). Identifiers: Orphanet 791, MedGen C3151086, MONDO:0013425, OMIM 613794.

Allele frequency attached by ClinVar (database versions not stated): ExAC 0.00003; TOPMed 0.00003; gnomAD 0.00004; gnomAD exomes 0.00004 and 0.00011; ESP Exome Variant Server 0.00008; 1000 Genomes Project 30x 0.00016; 1000 Genomes Project 0.00020.
gnomAD v4.1: 155 of 1,611,982 alleles (0.0096%); highest among the groups gnomAD compares: Non-Finnish European, 0.013%; no homozygotes.

Submissions (6):

ClinGen Leber Congenital Amaurosis/early Onset Retinal Dystrophy Variant Curation Expert Panel, ClinGen
Classification: Uncertain significance for RPE65-related recessive retinopathy. Last evaluated: 2026-08-20. Review status: reviewed by expert panel. Criteria: ClinGen LCAeoRD ACMG Specifications RPE65 V1.0.0. Collection method: curation. Allele origin: germline. Inheritance: Autosomal recessive inheritance.
Comment: NM_000329.3(RPE65):c.1129-5C>T is an intronic variant -5 from exon 11 and has only been reported once to date in published literature. The splicing impact predictor SpliceAI gives a delta score of 0, which is below the ClinGen LCA / eoRD VCEP recommended threshold of <0.1 and does not predict an impact on splicing (BP4 met). This variant is present in gnomAD v.4.1.1 at a total Grpmax allele frequency of 0.0001114, with 151 alleles / 1178282 total alleles in the European (non-Finnish) population, which is lower than the ClinGen LCA/eoRD VCEP PM2_supporting threshold of <0.0002 (PM2_Supporting). A published report (PMID:35569774) described a proband with recessive RP (proband P7) heterozygous for the c.1129-5C>T variant but failed to find any additional variants in RPE65. (PM3_not met). In summary, this variant meets the criteria to be classified as a variant of uncertain significance (VUS) for RPE65-related recessive retinopathy due to insufficient evidence based on the ACMG/AMP criteria applied, as specified by the ClinGen LCA/eoRD VCEP with a total combined score of 0: BP4, PM2_supporting. (LCA/eoRD VCEP specifications version 1.0.0).

Labcorp Genetics (formerly Invitae), Labcorp
Classification: Likely benign for Leber congenital amaurosis 2; Retinitis pigmentosa 20. Last evaluated: 2025-09-08. Review status: criteria provided, single submitter. Criteria: Invitae Variant Classification Sherloc (09022015). Collection method: clinical testing. Allele origin: germline. Not counted in ClinVar's aggregate classification.

Blueprint Genetics
Classification: Likely benign. Last evaluated: 2024-11-06. Review status: criteria provided, single submitter. Criteria: ACMG Guidelines, 2015. Collection method: clinical testing. Allele origin: germline. Not counted in ClinVar's aggregate classification.

Illumina Laboratory Services, Illumina
Classification: Uncertain significance for Leber congenital amaurosis 2. Last evaluated: 2018-01-12. Review status: criteria provided, single submitter. Criteria: ICSL Variant Classification Criteria 13 December 2019. Collection method: clinical testing. Allele origin: germline. Not counted in ClinVar's aggregate classification.

Illumina Laboratory Services, Illumina
Classification: Uncertain significance for Retinitis pigmentosa. Last evaluated: 2018-01-12. Review status: criteria provided, single submitter. Criteria: ICSL Variant Classification Criteria 13 December 2019. Collection method: clinical testing. Allele origin: germline. Not counted in ClinVar's aggregate classification.

PreventionGenetics, part of Exact Sciences
Classification: Likely benign for RPE65-related condition. Last evaluated: 2019-09-12. Review status: no assertion criteria provided. Collection method: clinical testing. Allele origin: germline. Not counted in ClinVar's aggregate classification.
Comment: This variant is classified as likely benign based on ACMG/AMP sequence variant interpretation guidelines (Richards et al. 2015 PMID: 25741868, with internal and published modifications).

NM_000329.3(RPE65):c.1129-5C>T

Gene: RPE65 (retinoid isomerohydrolase RPE65; minus strand). Cytogenetic location: 1p31.3.
Variant type: single nucleotide variant.
Coding change: c.1129-5C>T on transcript NM_000329.3 (MANE Select); 5 bases into the intron before coding-DNA position 1129, C replaced by T.
Molecular consequence: intron variant.
Genome position (GRCh38, 1-based): chr1:68,431,590, G>A on the plus strand (C>T on the coding strand, the complement: RPE65 is on the minus strand). VCF-style: chr1-68431590-G-A. GRCh37 (hg19) VCF-style: chr1-68897273-G-A.
Identifiers: ClinVar variation 875116 (VCV000875116.16), dbSNP rs368533067, ClinGen allele CA902270.